The following is an entry in ClinVar:

ClinVar aggregate classification (germline): Uncertain significance (1 of 4 stars; one submission).

Submission:

Labcorp Genetics (formerly Invitae), Labcorp
Classification: Uncertain significance. Last evaluated: 2024-09-28. Review status: criteria provided, single submitter. Criteria: Invitae Variant Classification Sherloc (09022015). Collection method: clinical testing. Allele origin: germline.
Comment: This sequence change replaces threonine, which is neutral and polar, with alanine, which is neutral and non-polar, at codon 1326 of the FRYL protein (p.Thr1326Ala). This variant is not present in population databases (gnomAD no frequency). This variant has not been reported in the literature in individuals affected with FRYL-related conditions. An algorithm developed to predict the effect of missense changes on protein structure and function (PolyPhen-2) suggests that this variant is likely to be tolerated. In summary, the available evidence is currently insufficient to determine the role of this variant in disease. Therefore, it has been classified as a Variant of Uncertain Significance.

NM_015030.2(FRYL):c.3976A>G (p.Thr1326Ala)

Gene: FRYL (FRY like transcription coactivator; minus strand). Cytogenetic location: 4p11.
Variant type: single nucleotide variant.
Coding change: c.3976A>G on transcript NM_015030.2 (MANE Select); coding-DNA position 3976, A replaced by G.
Protein change: p.Thr1326Ala; replaces threonine 1326 with alanine.
Molecular consequence: missense variant.
Genome position (GRCh38, 1-based): chr4:48,557,602, T>C on the plus strand (A>G on the coding strand, the complement: FRYL is on the minus strand). VCF-style: chr4-48557602-T-C. GRCh37 (hg19) VCF-style: chr4-48559619-T-C.
Other names: short protein forms T1326A.
Identifiers: ClinVar variation 3645096 (VCV003645096.2).